The following is an entry in ClinVar:

NM_000492.4(CFTR):c.828C>A (p.Cys276Ter)

Gene: CFTR (CF transmembrane conductance regulator; plus strand). Cytogenetic location: 7q31.2.
Variant type: single nucleotide variant.
Coding change: c.828C>A on transcript NM_000492.4 (MANE Select); coding-DNA position 828, C replaced by A.
Protein change: p.Cys276Ter; replaces cysteine 276 with a stop codon.
Molecular consequence: nonsense.
Genome position (GRCh38, 1-based): chr7:117,536,632, C>A. VCF-style: chr7-117536632-C-A. GRCh37 (hg19) VCF-style: chr7-117176686-C-A.
Other names: short protein forms C276*.
Identifiers: ClinVar variation 54064 (VCV000054064.17), dbSNP rs397508799, ClinGen allele CA327661.

ClinVar aggregate classification (germline): Pathogenic. Review status: reviewed by expert panel (3 of 4 stars). 7 submissions from 7 submitters: Pathogenic (1). 6 of the submissions do not count toward it. Last evaluated 2017-03-17.

Conditions:
CFTR-related disorder (CFTR-RD). Also called: CFTR-related condition; CFTR-related disorders. Identifiers: MedGen C5924204, MONDO:7770004.
Cystic fibrosis (CF). Also called: MUCOVISCIDOSIS. Identifiers: Orphanet 586, MedGen C0010674, MONDO:0009061, OMIM 219700. Disease mechanism: loss of function.
Bronchiectasis with or without elevated sweat chloride 1 (BESC1). Also called: Cystic Fibrosis-Like Syndrome. Identifiers: Orphanet 60033, MedGen C2749757, MONDO:0008887, OMIM 211400.

Allele frequency attached by ClinVar (database versions not stated): gnomAD exomes below 0.00001.
gnomAD v4.1: 1 of 1,611,722 alleles (0.000062%); highest among the groups gnomAD compares: Non-Finnish European, 0.000085%; no homozygotes.

Submissions (7):

CFTR2
Classification: Pathogenic for Cystic fibrosis. Last evaluated: 2017-03-17. Review status: reviewed by expert panel. Criteria: Sosnay PR et al. (Nat Genet 2013). Collection method: research. Allele origin: germline. Affected: yes. Study: CFTR2.

Natera, Inc.
Classification: Pathogenic for CFTR-related disorders. Last evaluated: 2026-01-23. Review status: criteria provided, single submitter. Criteria: Natera Variant Classification Schema (03/2026). Collection method: clinical testing. Allele origin: germline. Not counted in ClinVar's aggregate classification.
Comment: The c.828C>A variant in CFTR is a nonsense variant predicted to introduce a stop codon at amino acid 276. This variant is expected to result in nonsense mediated decay, truncation, or a dysfunctional protein product. This variant is rare in the general population with a frequency below the threshold expected for the associated phenotype(s). This variant has been observed in one or more individuals affected with the associated recessive disease, as either homozygous or compound heterozygous with a second variant (PMID: 25910067, 18094014). Given the available evidence, this variant is classified as Pathogenic.

Baylor Genetics
Classification: Pathogenic for Bronchiectasis with or without elevated sweat chloride 1. Last evaluated: 2023-12-31. Review status: criteria provided, single submitter. Criteria: ACMG Guidelines, 2015. Collection method: clinical testing. Allele origin: unknown. Not counted in ClinVar's aggregate classification.

Blueprint Genetics
Classification: Pathogenic for CFTR-related disorders. Last evaluated: 2023-06-21. Review status: criteria provided, single submitter. Criteria: ACMG Guidelines, 2015. Collection method: clinical testing. Allele origin: germline. Affected: yes. Observed: 2 variant alleles. Not counted in ClinVar's aggregate classification.

Ambry Genetics
Classification: Pathogenic for Cystic fibrosis. Last evaluated: 2023-03-15. Review status: criteria provided, single submitter. Criteria: Ambry Variant Classification Scheme 2023. Collection method: clinical testing. Allele origin: germline. Not counted in ClinVar's aggregate classification.
Comment: The p.C276* pathogenic mutation (also known as c.828C>A), located in coding exon 7 of the CFTR gene, results from a C to A substitution at nucleotide position 828. This changes the amino acid from a cysteine to a stop codon within coding exon 7. This mutation has been identified in Italian and Greek cohorts of cystic fibrosis patients; however, genotypic and phenotypic information was limited (F&eacute;rec C et al. Mol Cell Probes, 1995 Apr;9:135-7; Tzetis M et al. Hum Genet, 1997 Jan;99:121-5; Kanavakis E et al. Clin Genet, 2003 May;63:400-9). This variant is considered to be rare based on population cohorts in the Genome Aggregation Database (gnomAD). In addition to the clinical data presented in the literature, this alteration is expected to result in loss of function by premature protein truncation or nonsense-mediated mRNA decay. As such, this alteration is interpreted as a disease-causing mutation.

Labcorp Genetics (formerly Invitae), Labcorp
Classification: Pathogenic for Cystic fibrosis. Last evaluated: 2022-07-05. Review status: criteria provided, single submitter. Criteria: Invitae Variant Classification Sherloc (09022015). Collection method: clinical testing. Allele origin: germline. Not counted in ClinVar's aggregate classification.
Comment: For these reasons, this variant has been classified as Pathogenic. ClinVar contains an entry for this variant (Variation ID: 54064). This premature translational stop signal has been observed in individual(s) with cystic fibrosis (PMID: 7541510, 31245908). The frequency data for this variant in the population databases is considered unreliable, as metrics indicate poor data quality at this position in the gnomAD database. This sequence change creates a premature translational stop signal (p.Cys276*) in the CFTR gene. It is expected to result in an absent or disrupted protein product. Loss-of-function variants in CFTR are known to be pathogenic (PMID: 1695717, 7691345, 9725922).

Counsyl
Classification: Likely pathogenic for Cystic fibrosis. Last evaluated: 2014-07-23. Review status: no assertion criteria provided. Collection method: literature only. Allele origin: unknown. Inheritance: Autosomal recessive inheritance. Not counted in ClinVar's aggregate classification.

Literature cited by the submitters: PubMed 25910067 (cited by Natera, Inc.); PubMed 18094014 (cited by Natera, Inc.); PubMed 12752573 (cited by Ambry Genetics); PubMed 7541510 (cited by 3 submitters); PubMed 9003508 (cited by Ambry Genetics and Counsyl); PubMed 31245908 (cited by Labcorp Genetics (formerly Invitae), Labcorp); PubMed 1695717 (cited by Labcorp Genetics (formerly Invitae), Labcorp); PubMed 7691345 (cited by Labcorp Genetics (formerly Invitae), Labcorp); PubMed 9725922 (cited by Labcorp Genetics (formerly Invitae), Labcorp).